The following is an entry in ClinVar:

NM_000388.4(CASR):c.2597G>A (p.Arg866His)

Gene: CASR (calcium sensing receptor; plus strand). Cytogenetic location: 3q21.1.
Variant type: single nucleotide variant.
Coding change: c.2597G>A on transcript NM_000388.4 (MANE Select); coding-DNA position 2597, G replaced by A.
Protein change: p.Arg866His; replaces arginine 866 with histidine.
Molecular consequence: missense variant.
Genome position (GRCh38, 1-based): chr3:122,284,551, G>A. VCF-style: chr3-122284551-G-A. GRCh37 (hg19) VCF-style: chr3-122003398-G-A.
Other names: c.2627G>A, p.Arg876His (NM_001178065.2); short protein forms R866H, R876H.
Identifiers: ClinVar variation 532611 (VCV000532611.15), dbSNP rs387907401, ClinGen allele CA2569837.

ClinVar aggregate classification (germline): Uncertain significance. Review status: criteria provided, multiple submitters, no conflicts (2 of 4 stars). 3 submissions from 3 submitters: Uncertain significance (3). Last evaluated 2024-11-18.

Conditions:
Familial hypocalciuric hypercalcemia (FHH). Also called: Familial benign hypercalcemia. Identifiers: Orphanet 405, MedGen C1809471, MONDO:0018458.
Autosomal dominant hypocalcemia 1 (HYPOC1). Also called: HYPOCALCEMIA, FAMILIAL. Identifiers: MedGen C3715128, MONDO:0011013, OMIM 601198.
Nephrolithiasis/nephrocalcinosis. Identifiers: MedGen CN580796.

Allele frequency attached by ClinVar (database versions not stated): ExAC 0.00001; gnomAD 0.00001; gnomAD exomes 0.00001; TOPMed 0.00001.
gnomAD v4.1: 9 of 1,613,774 alleles (0.00056%); highest among the groups gnomAD compares: South Asian, 0.0011%; no homozygotes.

Submissions (3):

Athena Diagnostics
Classification: Uncertain significance. Last evaluated: 2024-11-18. Review status: criteria provided, single submitter. Criteria: Athena Diagnostics Criteria. Collection method: clinical testing. Allele origin: unknown.
Comment: Available data are insufficient to determine the clinical significance of the variant at this time. The frequency of this variant in the general population is uninformative in assessment of its pathogenicity. Polyphen and MutationTaster yielded discordant predictions regarding whether this amino acid change is damaging to the protein.

Ambry Genetics
Classification: Uncertain significance for Nephrolithiasis/nephrocalcinosis. Last evaluated: 2023-12-24. Review status: criteria provided, single submitter. Criteria: Ambry Variant Classification Scheme 2023. Collection method: clinical testing. Allele origin: germline.
Comment: The p.R866H variant (also known as c.2597G>A), located in coding exon 6 of the CASR gene, results from a G to A substitution at nucleotide position 2597. The arginine at codon 866 is replaced by histidine, an amino acid with highly similar properties. This amino acid position is highly conserved in available vertebrate species. In addition, this alteration is predicted to be deleterious by in silico analysis. Since supporting evidence is limited at this time, the clinical significance of this alteration remains unclear.

Labcorp Genetics (formerly Invitae), Labcorp
Classification: Uncertain significance for Familial hypocalciuric hypercalcemia; Autosomal dominant hypocalcemia 1. Last evaluated: 2023-12-03. Review status: criteria provided, single submitter. Criteria: Invitae Variant Classification Sherloc (09022015). Collection method: clinical testing. Allele origin: germline.
Comment: This sequence change replaces arginine, which is basic and polar, with histidine, which is basic and polar, at codon 866 of the CASR protein (p.Arg866His). This variant is present in population databases (rs387907401, gnomAD 0.0009%). This variant has not been reported in the literature in individuals affected with CASR-related conditions. ClinVar contains an entry for this variant (Variation ID: 532611). An algorithm developed to predict the effect of missense changes on protein structure and function (PolyPhen-2) suggests that this variant is likely to be disruptive. In summary, the available evidence is currently insufficient to determine the role of this variant in disease. Therefore, it has been classified as a Variant of Uncertain Significance.